The following is an entry in ClinVar:

NM_001017420.3(ESCO2):c.760dup (p.Thr254fs)

Gene: ESCO2 (establishment of sister chromatid cohesion N-acetyltransferase 2; plus strand). Cytogenetic location: 8p21.1.
Variant type: Duplication.
Coding change: c.760dup on transcript NM_001017420.3 (MANE Select); coding-DNA position 760, one base duplicated (A; older notation c.760dupA).
Protein change: p.Thr254fs; shifts the reading frame from threonine 254.
Molecular consequence: frameshift variant.
Genome position (GRCh38, 1-based): chr8:27,777,068, A duplicated; the last of 9 consecutive A bases (chr8:27,777,060-27,777,068); duplicating any one gives the same sequence. VCF-style (leftmost placement, unchanged base first): chr8-27777059-G-GA. GRCh37 (hg19) VCF-style: chr8-27634576-G-GA.
Other names: c.760dup (NM_001017420.2); short protein forms T254fs.
Identifiers: ClinVar variation 1738 (VCV000001738.15), dbSNP rs80359852, ClinGen allele CA339907.

ClinVar aggregate classification (germline): Pathogenic. Review status: criteria provided, multiple submitters, no conflicts (2 of 4 stars). 6 submissions from 6 submitters: Pathogenic (3). 3 of the submissions do not count toward it. Last evaluated 2025-09-16.

Conditions:
Roberts-SC phocomelia syndrome (RBS). Also called: Hypomelia hypotrichosis facial hemangioma syndrome; LONG BONE DEFICIENCIES ASSOCIATED WITH CLEFT LIP-PALATE; Pseudothalidomide syndrome; Appelt-Gerken-Lenz syndrome; ESCO2 Spectrum Disorder. Identifiers: Orphanet 3103, MedGen C0392475, MONDO:0100253, OMIM 268300.
ESCO2-related disorder. Also called: ESCO2-related condition.
Juberg-Hayward syndrome (JHS). Also called: OROCRANIODIGITAL SYNDROME; Cleft lip/palate with abnormal thumbs and microcephaly. Identifiers: Orphanet 2319, MedGen C0796099, MONDO:0008992, OMIM 216100.

Submissions (6):

Natera, Inc.
Classification: Pathogenic for Roberts syndrome. Last evaluated: 2025-09-16. Review status: criteria provided, single submitter. Criteria: Natera Variant Classification Schema (03/2026). Collection method: clinical testing. Allele origin: germline.
Comment: The c.760dupA variant in ESCO2 is a frameshift variant predicted to shift the reading frame beginning at codon 254 and leads to a stop codon 27 codons downstream. This variant is expected to result in nonsense mediated decay, truncation, or a dysfunctional protein product. The frequency of this variant in the general population is greater than expected for disorder. This variant has been observed in one or more individuals affected with the associated recessive disease, as either homozygous or compound heterozygous with a second variant (PMID: 18411254, 30508616). Given the available evidence, this variant is classified as Pathogenic.

Labcorp Genetics (formerly Invitae), Labcorp
Classification: Pathogenic. Last evaluated: 2025-06-05. Review status: criteria provided, single submitter. Criteria: Invitae Variant Classification Sherloc (09022015). Collection method: clinical testing. Allele origin: germline.
Comment: This sequence change creates a premature translational stop signal (p.Thr254Asnfs*27) in the ESCO2 gene. It is expected to result in an absent or disrupted protein product. Loss-of-function variants in ESCO2 are known to be pathogenic (PMID: 15821733, 16380922). The frequency data for this variant in the population databases is considered unreliable, as metrics indicate poor data quality at this position in the gnomAD database. This premature translational stop signal has been observed in individual(s) with Roberts syndrome (PMID: 18411254, 30508616). In at least one individual the data is consistent with being in trans (on the opposite chromosome) from a pathogenic variant. ClinVar contains an entry for this variant (Variation ID: 1738). For these reasons, this variant has been classified as Pathogenic.

Fulgent Genetics
Classification: Pathogenic for Juberg-Hayward syndrome; Roberts-SC phocomelia syndrome. Last evaluated: 2024-05-23. Review status: criteria provided, single submitter. Criteria: ACMG Guidelines, 2015. Collection method: clinical testing. Allele origin: germline.

PreventionGenetics, part of Exact Sciences
Classification: Pathogenic for ESCO2-related condition. Last evaluated: 2024-04-11. Review status: no assertion criteria provided. Collection method: clinical testing. Allele origin: germline. Not counted in ClinVar's aggregate classification.
Comment: The ESCO2 c.760dupA variant is predicted to result in a frameshift and premature protein termination (p.Thr254Asnfs*27). This variant was reported to be pathogenic for Roberts Syndrome/SC Phocomelia (see examples: reported as c.751-752insA in Family A, Schule et al. 2005. PubMed ID: 16380922; reported as c.760_761insA, McKay et al. 2018. PubMed ID: 30508616). This variant is reported in 0.084% of alleles in individuals of Latino descent in gnomAD. Frameshift variants in ESCO2 are expected to be pathogenic. This variant is interpreted as pathogenic.

OMIM
Classification: Pathogenic for ROBERTS-SC PHOCOMELIA SYNDROME. Last evaluated: 2005-12-01. Review status: no assertion criteria provided. Collection method: literature only. Allele origin: germline. Not counted in ClinVar's aggregate classification.

GeneReviews
No classification provided. Condition: Roberts-SC phocomelia syndrome. Review status: no classification provided. Collection method: literature only. Allele origin: unknown. Not counted in ClinVar's aggregate classification.

Literature cited by the submitters: PubMed 18411254 (cited by 3 submitters); PubMed 30508616 (cited by Natera, Inc. and Labcorp Genetics (formerly Invitae), Labcorp); PubMed 15821733 (cited by Labcorp Genetics (formerly Invitae), Labcorp); PubMed 16380922 (cited by 3 submitters); Herrmann, J., Feingold, M., Tuffli, G. A., Opitz, J. M. A familial dysmorphogenetic syndrome of limb deformities, characteristic facial appearance and associated anomalies: the 'pseudothalidomide' or 'SC-syndrome'. Birth Defects Orig. Art. Ser. V(3): 81-89, 1969. (cited by OMIM); PubMed 1642282 (cited by OMIM); PubMed 20301332 (cited by GeneReviews); NCBI Bookshelf NBK1153 (cited by GeneReviews).